The following is an entry in ClinVar:

ClinVar aggregate classification (germline): Uncertain significance (1 of 4 stars; one submission).

Allele frequency attached by ClinVar (database versions not stated): gnomAD exomes below 0.00001.
gnomAD v4.1: 1 of 1,211,322 alleles (0.000083%); highest among the groups gnomAD compares: Non-Finnish European, 0.00011%; no homozygotes.

Submission:

GeneDx
Classification: Uncertain significance. Last evaluated: 2022-09-22. Review status: criteria provided, single submitter. Criteria: GeneDx Variant Classification Process June 2021. Collection method: clinical testing. Allele origin: germline. Affected: yes.
Comment: Not observed at significant frequency in large population cohorts (gnomAD); In silico analysis supports that this missense variant has a deleterious effect on protein structure/function; Has not been previously published as pathogenic or benign to our knowledge

NM_031407.7(HUWE1):c.2576A>G (p.His859Arg)

Gene: HUWE1 (HECT, UBA and WWE domain containing E3 ubiquitin protein ligase 1; minus strand). Cytogenetic location: Xp11.22.
Variant type: single nucleotide variant.
Coding change: c.2576A>G on transcript NM_031407.7 (MANE Select); coding-DNA position 2576, A replaced by G.
Protein change: p.His859Arg; replaces histidine 859 with arginine.
Molecular consequence: missense variant.
Genome position (GRCh38, 1-based): chrX:53,604,755, T>C on the plus strand (A>G on the coding strand, the complement: HUWE1 is on the minus strand). VCF-style: chrX-53604755-T-C. GRCh37 (hg19) VCF-style: chrX-53631716-T-C.
Other names: short protein forms H859R.
Identifiers: ClinVar variation 2446254 (VCV002446254.1), dbSNP rs2526914519, ClinGen allele CA413181446.